The following is an entry in ClinVar:

NM_000135.4(FANCA):c.1027C>T (p.Gln343Ter)

Gene: FANCA (FA complementation group A; minus strand). Cytogenetic location: 16q24.3.
Variant type: single nucleotide variant.
Coding change: c.1027C>T on transcript NM_000135.4 (MANE Select); coding-DNA position 1027, C replaced by T.
Protein change: p.Gln343Ter; replaces glutamine 343 with a stop codon.
Molecular consequence: nonsense.
Genome position (GRCh38, 1-based): chr16:89,792,527, G>A on the plus strand (C>T on the coding strand, the complement: FANCA is on the minus strand). VCF-style: chr16-89792527-G-A. GRCh37 (hg19) VCF-style: chr16-89858935-G-A.
Other names: c.1027C>T, p.Gln343Ter (NM_001286167.3); short protein forms Q343*.
Identifiers: ClinVar variation 857881 (VCV000857881.11), dbSNP rs755018069, ClinGen allele CA8252560.
Genomic context (GRCh38, chr16:89,792,527, plus strand): 5'-TCACCCTGCGGTACAGTGAGGTGAGCAGAGGGTGTGTCCGCGCAAAGCTCCACTCTCTCT[G>A]CATCTGAACAGCATCAGATGCTGCAGGGGGAGAAACAGACAAAAACTTCAAGTCAGAGAT-3'

ClinVar aggregate classification (germline): Pathogenic. Review status: criteria provided, multiple submitters, no conflicts (2 of 4 stars). 4 submissions from 4 submitters: Pathogenic (3). 1 of the submissions does not count toward it. Last evaluated 2024-03-30.

Conditions:
Fanconi anemia (FA). Also called: Fanconi's anemia. Identifiers: Orphanet 84, MedGen C0015625, MeSH D005199, MONDO:0019391.
Fanconi anemia complementation group A (FANCA). Also called: FANCA-Related Fanconi Anemia; Fanconi anemia, group A. Identifiers: Orphanet 84, MedGen C3469521, MONDO:0009215, OMIM 227650.

Allele frequency attached by ClinVar (database versions not stated): gnomAD exomes below 0.00001 and 0.00001; ExAC 0.00001.
gnomAD v4.1: 5 of 1,613,270 alleles (0.00031%); highest among the groups gnomAD compares: Non-Finnish European, 0.00034%; no homozygotes.

Submissions (4):

Fulgent Genetics
Classification: Pathogenic for Fanconi anemia complementation group A. Last evaluated: 2024-03-30. Review status: criteria provided, single submitter. Criteria: ACMG Guidelines, 2015. Collection method: clinical testing. Allele origin: germline.

Labcorp Genetics (formerly Invitae), Labcorp
Classification: Pathogenic for Fanconi anemia. Last evaluated: 2024-02-03. Review status: criteria provided, single submitter. Criteria: Invitae Variant Classification Sherloc (09022015). Collection method: clinical testing. Allele origin: germline.
Comment: This sequence change creates a premature translational stop signal (p.Gln343*) in the FANCA gene. It is expected to result in an absent or disrupted protein product. Loss-of-function variants in FANCA are known to be pathogenic (PMID: 19367192). This variant is present in population databases (rs755018069, gnomAD 0.002%). This premature translational stop signal has been observed in individual(s) with Fanconi anemia (PMID: 29098742). ClinVar contains an entry for this variant (Variation ID: 857881). For these reasons, this variant has been classified as Pathogenic.

Baylor Genetics
Classification: Pathogenic for Fanconi anemia complementation group A. Last evaluated: 2023-02-24. Review status: criteria provided, single submitter. Criteria: ACMG Guidelines, 2015. Collection method: clinical testing. Allele origin: unknown.

Leiden Open Variation Database
Classification: Pathogenic for Fanconi anemia complementation group A. Last evaluated: 2020-02-28. Review status: no assertion criteria provided. Collection method: curation. Allele origin: germline. Affected: yes. Not counted in ClinVar's aggregate classification.
Comment: Curator: Arleen D. Auerbach. Submitter to LOVD: Sue Richards.

Literature cited by the submitters: PubMed 19367192 (cited by Labcorp Genetics (formerly Invitae), Labcorp); PubMed 29098742 (cited by Labcorp Genetics (formerly Invitae), Labcorp).